The following is an entry in ClinVar:

NM_001257096.2(PAX1):c.32C>T (p.Ala11Val)

Gene: PAX1 (paired box 1; plus strand). Cytogenetic location: 20p11.22.
Variant type: single nucleotide variant.
Coding change: c.32C>T on transcript NM_001257096.2 (MANE Select); coding-DNA position 32, C replaced by T.
Protein change: p.Ala11Val; replaces alanine 11 with valine.
Molecular consequence: missense variant.
Genome position (GRCh38, 1-based): chr20:21,705,744, C>T. VCF-style: chr20-21705744-C-T. GRCh37 (hg19) VCF-style: chr20-21686382-C-T.
Other names: c.32C>T, p.Ala11Val (NM_006192.5); short protein forms A11V.
Identifiers: ClinVar variation 1168697 (VCV001168697.13), dbSNP rs187767883, ClinGen allele CA9786381.
Genomic context (GRCh38, chr20:21,705,744, plus strand): 5'-TCCCGGTCAGACGAATTTCTCCCAATCGGATGAAGTTCACCCTGGGCCTGGGGTCGCGGG[C>T]GTGGAGAGTGTCCTGGGAGGGGGCAGCAGCGGCGGCGGCAGGCCCTGGAGCGGGCGGCAG-3'
Protein context (NP_001244025.1, residues 1-21): MKFTLGLGSR[Ala11Val]WRVSWEGAAA

ClinVar aggregate classification (germline): Benign/Likely benign. Review status: criteria provided, multiple submitters, no conflicts (2 of 4 stars). 4 submissions from 4 submitters: Benign (2); Likely benign (2). Last evaluated 2026-02-11.

Allele frequency attached by ClinVar (database versions not stated): gnomAD exomes 0.00246; ESP Exome Variant Server 0.00898; TOPMed 0.00949; ExAC 0.01064; 1000 Genomes Project 0.01078; 1000 Genomes Project 30x 0.01140.

Submissions (5):

Women's Health and Genetics/Laboratory Corporation of America, LabCorp
Classification: Likely benign. Last evaluated: 2026-02-11. Review status: criteria provided, single submitter. Criteria: LabCorp Variant Classification Summary - May 2015. Collection method: clinical testing. Allele origin: germline.
Comment: Variant summary: PAX1 c.32C>T (p.Ala11Val) results in a non-conservative amino acid change in the encoded protein sequence. Algorithms developed to predict the effect of missense changes on protein structure and function are either unavailable or do not agree on the potential impact of this missense change. The variant allele was found at a frequency of 0.0025 in 21958 control chromosomes in the gnomAD database, including 1 homozygote. The observed variant frequency exceeds the estimated maximal expected allele frequency for disease-causing variants in PAX1. To our knowledge, no occurrence of c.32C>T in individuals affected with PAX1-related conditions and no experimental evidence demonstrating its impact on protein function have been reported. ClinVar contains an entry for this variant (Variation ID: 1168697). Based on the evidence outlined above, the variant was classified as likely benign.

Labcorp Genetics (formerly Invitae), Labcorp
Classification: Benign. Last evaluated: 2026-01-26. Review status: criteria provided, single submitter. Criteria: Invitae Variant Classification Sherloc (09022015). Collection method: clinical testing. Allele origin: germline.

Blueprint Genetics
Classification: Likely benign. Last evaluated: 2024-11-21. Review status: criteria provided, single submitter. Criteria: ACMG Guidelines, 2015. Collection method: clinical testing. Allele origin: germline.

Breakthrough Genomics
Classification: Benign. Review status: criteria provided, single submitter. Criteria: ACMG Guidelines, 2015. Collection method: not provided. Allele origin: germline. Inheritance: Autosomal recessive inheritance. Affected: yes.

Dr. Peter K. Rogan Lab, Western University
No classification provided (evidence only). Condition: Familial cancer of breast. Review status: no classification provided. Collection method: in vitro. Allele origin: not applicable. Functional consequence: retained intron. Not counted in ClinVar's aggregate classification.